The following is an entry in ClinVar:

ClinVar aggregate classification (germline): Uncertain significance (1 of 4 stars; one submission).

Conditions:
X-linked immunodeficiency with magnesium defect, Epstein-Barr virus infection and neoplasia. Identifiers: Orphanet 317476, MedGen C3275445, MONDO:0010455, OMIM 300853.

Submission:

Labcorp Genetics (formerly Invitae), Labcorp
Classification: Uncertain significance for X-linked immunodeficiency with magnesium defect, Epstein-Barr virus infection and neoplasia. Last evaluated: 2023-11-29. Review status: criteria provided, single submitter. Criteria: Invitae Variant Classification Sherloc (09022015). Collection method: clinical testing. Allele origin: germline.
Comment: This variant is a gross deletion of the genomic region encompassing exon(s) 8-10 of the MAGT1 gene, which includes the termination codon. This deletion extends beyond the assayed region for this gene and therefore may encompass additional genes. While this deletion is not anticipated to lead to nonsense mediated decay, it is expected to alter mRNA translation or result in a truncated protein product. This variant has not been reported in the literature in individuals affected with MAGT1-related conditions. This variant disrupts a region of the MAGT1 protein in which other variant(s) (Deletion (Exon 9)) have been observed in individuals with MAGT1-related conditions (Invitae). This suggests that this is a clinically significant region of the protein, and that variants that disrupt it are likely to be disease-causing. In summary, the available evidence is currently insufficient to determine the role of this variant in disease. Therefore, it has been classified as a Variant of Uncertain Significance.

NC_000023.10:g.(?_77084717)_(77096837_?)del

Gene: MAGT1 (magnesium transporter 1; minus strand). Cytogenetic location: Xq21.1.
Variant type: Deletion.
Identifiers: ClinVar variation 2427020 (VCV002427020.4).